The following is an entry in ClinVar:

NM_032520.5(GNPTG):c.551_556del (p.Leu184_Gln185del)

Gene: GNPTG (N-acetylglucosamine-1-phosphate transferase subunit gamma; plus strand). Cytogenetic location: 16p13.3.
Variant type: Deletion.
Coding change: c.551_556del on transcript NM_032520.5 (MANE Select); coding-DNA positions 551 to 556, 6 bases deleted (TGCAGC; older notation c.551_556delTGCAGC).
Protein change: p.Leu184_Gln185del.
Molecular consequence: inframe deletion.
Genome position (GRCh38, 1-based): chr16:1,362,476-1,362,481, TGCAGC deleted; deleting any 6 consecutive bases within chr16:1,362,475-1,362,481 gives the same sequence; the c. name uses the placement nearest the transcript's 3' end. VCF-style (leftmost placement, unchanged base first): chr16-1362474-CCTGCAG-C. GRCh37 (hg19) VCF-style: chr16-1412475-CCTGCAG-C.
Identifiers: ClinVar variation 552707 (VCV000552707.7), dbSNP rs1555451962, ClinGen allele CA658824128.

ClinVar aggregate classification (germline): Uncertain significance. Review status: criteria provided, single submitter (1 of 4 stars). 2 submissions from 2 submitters: Uncertain significance (1). 1 of the submissions does not count toward it. Last evaluated 2022-04-25.

Conditions:
GNPTG-mucolipidosis. Also called: ML III GAMMA; ML IIIC; Mucolipidosis type III gamma; MUCOLIPIDOSIS III, COMPLEMENTATION GROUP C; MUCOLIPIDOSIS III, IRANIAN VARIANT FORM; MUCOLIPIDOSIS III, VARIANT FORM. Identifiers: Orphanet 423470, Orphanet 577, MedGen C1854896, MONDO:0009652, OMIM 252605.

Submissions (2):

Labcorp Genetics (formerly Invitae), Labcorp
Classification: Uncertain significance. Last evaluated: 2022-04-25. Review status: criteria provided, single submitter. Criteria: Invitae Variant Classification Sherloc (09022015). Collection method: clinical testing. Allele origin: germline.
Comment: This variant, c.551_556del, results in the deletion of 2 amino acid(s) of the GNPTG protein (p.Leu184_Gln185del), but otherwise preserves the integrity of the reading frame. This variant is not present in population databases (gnomAD no frequency). This variant has not been reported in the literature in individuals affected with GNPTG-related conditions. ClinVar contains an entry for this variant (Variation ID: 552707). Experimental studies and prediction algorithms are not available or were not evaluated, and the functional significance of this variant is currently unknown. In summary, the available evidence is currently insufficient to determine the role of this variant in disease. Therefore, it has been classified as a Variant of Uncertain Significance.

Counsyl
Classification: Uncertain significance for GNPTG-mucolipidosis. Last evaluated: 2017-06-30. Review status: no assertion criteria provided. Collection method: clinical testing. Allele origin: unknown. Not counted in ClinVar's aggregate classification.